The following is an entry in ClinVar:

ClinVar aggregate classification (germline): Uncertain significance. Review status: criteria provided, multiple submitters, no conflicts (2 of 4 stars). 2 submissions from 2 submitters: Uncertain significance (2). Last evaluated 2025-07-21.

Conditions:
Inborn genetic diseases. Identifiers: MedGen C0950123, MeSH D030342.

Allele frequency attached by ClinVar (database versions not stated): gnomAD 0.00001; gnomAD exomes 0.00002; ExAC 0.00003.
gnomAD v4.1: 12 of 1,613,978 alleles (0.00074%); highest among the groups gnomAD compares: Admixed American, 0.02%; no homozygotes.

Submissions (2):

Labcorp Genetics (formerly Invitae), Labcorp
Classification: Uncertain significance. Last evaluated: 2025-07-21. Review status: criteria provided, single submitter. Criteria: Invitae Variant Classification Sherloc (09022015). Collection method: clinical testing. Allele origin: germline.
Comment: This sequence change replaces isoleucine, which is neutral and non-polar, with phenylalanine, which is neutral and non-polar, at codon 76 of the TBX19 protein (p.Ile76Phe). This variant is present in population databases (rs776710499, gnomAD 0.03%). This variant has not been reported in the literature in individuals affected with TBX19-related conditions. ClinVar contains an entry for this variant (Variation ID: 2160792). An algorithm developed to predict the effect of missense changes on protein structure and function (PolyPhen-2) suggests that this variant is likely to be disruptive. In summary, the available evidence is currently insufficient to determine the role of this variant in disease. Therefore, it has been classified as a Variant of Uncertain Significance.

Ambry Genetics
Classification: Uncertain significance for Inborn genetic diseases. Last evaluated: 2021-01-27. Review status: criteria provided, single submitter. Criteria: Ambry Variant Classification Scheme 2023. Collection method: clinical testing. Allele origin: germline.

NM_005149.3(TBX19):c.226A>T (p.Ile76Phe)

Gene: TBX19 (T-box transcription factor 19; plus strand). Cytogenetic location: 1q24.2.
Variant type: single nucleotide variant.
Coding change: c.226A>T on transcript NM_005149.3 (MANE Select); coding-DNA position 226, A replaced by T.
Protein change: p.Ile76Phe; replaces isoleucine 76 with phenylalanine.
Molecular consequence: missense variant.
Genome position (GRCh38, 1-based): chr1:168,291,182, A>T. VCF-style: chr1-168291182-A-T. GRCh37 (hg19) VCF-style: chr1-168260420-A-T.
Other names: c.226A>T (NM_005149.2); short protein forms I76F.
Identifiers: ClinVar variation 2160792 (VCV002160792.5), dbSNP rs776710499, ClinGen allele CA1230439.